The following is an entry in ClinVar:

ClinVar aggregate classification (germline): Uncertain significance (1 of 4 stars; one submission).

Conditions:
Palmoplantar keratodermas.

gnomAD v4.1: 6 of 1,613,808 alleles (0.00037%); highest among the groups gnomAD compares: Non-Finnish European, 0.00051%; no homozygotes.

Submission:

Genetics Laboratory, Great Ormond Street Hospital NHS Foundation Trust, North Thames Genomic Laboratory Hub
Classification: Uncertain significance for Palmoplantar keratodermas. Last evaluated: 2025-12-12. Review status: criteria provided, single submitter. Criteria: ACGS Best Practice Guidelines for Variant Classification in Rare Disease 2024 v1.2. Collection method: clinical testing. Allele origin: germline. Affected: yes.
Comment: PM2_moderate, PVS1_moderate

NM_002016.2(FLG):c.11047G>T (p.Gly3683Ter)

Genes: CCDST (cervical cancer associated DHX9 suppressive transcript; plus strand), FLG (filaggrin; minus strand). Cytogenetic location: 1q21.3.
Variant type: single nucleotide variant.
Coding change: c.11047G>T on transcript NM_002016.2 (MANE Select); coding-DNA position 11047, G replaced by T.
Protein change: p.Gly3683Ter; replaces glycine 3683 with a stop codon.
Molecular consequence: nonsense.
Genome position (GRCh38, 1-based): chr1:152,303,839, C>A on the plus strand (G>T on the coding strand, the complement: FLG is on the minus strand). VCF-style: chr1-152303839-C-A. GRCh37 (hg19) VCF-style: chr1-152276315-C-A.
Other names: short protein forms G3683*.
Identifiers: ClinVar variation 4755564 (VCV004755564.1).